The following is an entry in ClinVar:

ClinVar aggregate classification (germline): Pathogenic (1 of 4 stars; one submission).

Submission:

Labcorp Genetics (formerly Invitae), Labcorp
Classification: Pathogenic. Last evaluated: 2021-02-15. Review status: criteria provided, single submitter. Criteria: Invitae Variant Classification Sherloc (09022015). Collection method: clinical testing. Allele origin: germline.
Comment: For these reasons, this variant has been classified as Pathogenic. This variant has not been reported in the literature in individuals with MYO7A-related conditions. This variant is not present in population databases (ExAC no frequency). This sequence change creates a premature translational stop signal (p.Glu290*) in the MYO7A gene. It is expected to result in an absent or disrupted protein product. Loss-of-function variants in MYO7A are known to be pathogenic (PMID: 8900236, 25404053).

Literature cited by the submitters: PubMed 8900236; PubMed 25404053.

NM_000260.4(MYO7A):c.868G>T (p.Glu290Ter)

Gene: MYO7A (myosin VIIA; plus strand). Cytogenetic location: 11q13.5.
Variant type: single nucleotide variant.
Coding change: c.868G>T on transcript NM_000260.4 (MANE Select); coding-DNA position 868, G replaced by T.
Protein change: p.Glu290Ter; replaces glutamic acid 290 with a stop codon.
Molecular consequence: nonsense.
Genome position (GRCh38, 1-based): chr11:77,158,295, G>T. VCF-style: chr11-77158295-G-T. GRCh37 (hg19) VCF-style: chr11-76869341-G-T.
Other names: c.868G>T, p.Glu290Ter (NM_001127180.2); c.835G>T, p.Glu279Ter (NM_001369365.1); short protein forms E290*, E279*.
Identifiers: ClinVar variation 1372879 (VCV001372879.6), dbSNP rs2135256420, ClinGen allele CA381932839.